The following is an entry in ClinVar:

ClinVar aggregate classification (germline): Benign (1 of 4 stars; one submission).

Conditions:
Hereditary diffuse gastric adenocarcinoma (HDGC). Also called: DIFFUSE GASTRIC AND LOBULAR BREAST CANCER SYNDROME. Identifiers: Orphanet 26106, MedGen C1708349, MONDO:0007648, OMIM 137215.

Submission:

Myriad Genetics, Inc.
Classification: Benign for Hereditary diffuse gastric adenocarcinoma. Last evaluated: 2024-09-13. Review status: criteria provided, single submitter. Criteria: Myriad Autosomal Dominant, Autosomal Recessive and X-Linked Classification Criteria (2023). Collection method: clinical testing. Allele origin: unknown.
Comment: This variant is considered benign. This variant is a silent/synonymous amino acid change and it is not expected to impact splicing.

NM_004360.5(CDH1):c.504A>G (p.Lys168=)

Gene: CDH1 (cadherin 1; plus strand). Cytogenetic location: 16q22.1.
Variant type: single nucleotide variant.
Coding change: c.504A>G on transcript NM_004360.5 (MANE Select); coding-DNA position 504, A replaced by G.
Protein change: p.Lys168=; no amino-acid change (lysine 168 retained).
Molecular consequence: synonymous variant. On other transcripts: 5 prime UTR variant (2).
Genome position (GRCh38, 1-based): chr16:68,808,540, A>G. VCF-style: chr16-68808540-A-G. GRCh37 (hg19) VCF-style: chr16-68842443-A-G.
Other names: c.504A>G, p.Lys168= (NM_001317184.2); c.-1112A>G (NM_001317185.2); c.-1316A>G (NM_001317186.2).
Identifiers: ClinVar variation 3379241 (VCV003379241.1).